The following is an entry in ClinVar:

ClinVar aggregate classification (germline): Pathogenic (1 of 4 stars; one submission).

Conditions:
Inborn genetic diseases. Identifiers: MedGen C0950123, MeSH D030342.

Submission:

Ambry Genetics
Classification: Pathogenic for Inborn genetic diseases. Last evaluated: 2019-11-27. Review status: criteria provided, single submitter. Criteria: Ambry Variant Classification Scheme 2023. Collection method: clinical testing. Allele origin: germline.
Comment: The p.E536* pathogenic mutation (also known as c.1606G>T), located in coding exon 9 of the SATB2 gene, results from a G to T substitution at nucleotide position 1606. This changes the amino acid from a glutamic acid to a stop codon within coding exon 9. This alteration is expected to result in loss of function by premature protein truncation or nonsense-mediated mRNA decay. As such, this alteration is interpreted as a disease-causing mutation.

NM_001172509.2(SATB2):c.1606G>T (p.Glu536Ter)

Gene: SATB2 (SATB homeobox 2; minus strand). Cytogenetic location: 2q33.1.
Variant type: single nucleotide variant.
Coding change: c.1606G>T on transcript NM_001172509.2 (MANE Select); coding-DNA position 1606, G replaced by T.
Protein change: p.Glu536Ter; replaces glutamic acid 536 with a stop codon.
Molecular consequence: nonsense.
Genome position (GRCh38, 1-based): chr2:199,308,894, C>A on the plus strand (G>T on the coding strand, the complement: SATB2 is on the minus strand). VCF-style: chr2-199308894-C-A. GRCh37 (hg19) VCF-style: chr2-200173617-C-A.
Other names: c.1606G>T, p.Glu536Ter (NM_001172517.1, NM_015265.4); short protein forms E536*.
Identifiers: ClinVar variation 1776300 (VCV001776300.2), dbSNP rs2468839214, ClinGen allele CA350384543.